The following is an entry in ClinVar:

NM_002476.2(MYL4):c.253C>G (p.Leu85Val)

Gene: MYL4 (myosin light chain 4; plus strand). Cytogenetic location: 17q21.32.
Variant type: single nucleotide variant.
Coding change: c.253C>G on transcript NM_002476.2 (MANE Select); coding-DNA position 253, C replaced by G.
Protein change: p.Leu85Val; replaces leucine 85 with valine.
Molecular consequence: missense variant.
Genome position (GRCh38, 1-based): chr17:47,219,993, C>G. VCF-style: chr17-47219993-C-G. GRCh37 (hg19) VCF-style: chr17-45297359-C-G.
Other names: c.253C>G, p.Leu85Val (NM_001002841.2); short protein forms L85V.
Identifiers: ClinVar variation 2049700 (VCV002049700.4), dbSNP rs963861981, ClinGen allele CA291225181.
Genomic context (GRCh38, chr17:47,219,993, plus strand): 5'-CGGACCCCGACTGGAGAGATGAAGATCACCTACGGCCAGTGCGGGGATGTACTGCGGGCC[C>G]TGGGCCAGAACCCTACCAATGCCGAGGTGCTGCGTGTGCTGGGCAAGCCCAAGCCTGAAG-3'
Protein context (NP_002467.1, residues 75-95): YGQCGDVLRA[Leu85Val]GQNPTNAEVL

ClinVar aggregate classification (germline): Uncertain significance (1 of 4 stars; one submission).

Conditions:
Atrial fibrillation, familial, 18 (ATFB18). Identifiers: MedGen C4310636, MONDO:0015001, OMIM 617280.

Allele frequency attached by ClinVar (database versions not stated): gnomAD exomes below 0.00001; TOPMed 0.00001; gnomAD 0.00001.
gnomAD v4.1: 3 of 1,614,116 alleles (0.00019%); highest among the groups gnomAD compares: African/African-American, 0.0027%; no homozygotes.

Submission:

Labcorp Genetics (formerly Invitae), Labcorp
Classification: Uncertain significance for Atrial fibrillation, familial, 18. Last evaluated: 2024-05-15. Review status: criteria provided, single submitter. Criteria: Invitae Variant Classification Sherloc (09022015). Collection method: clinical testing. Allele origin: germline.
Comment: This sequence change replaces leucine, which is neutral and non-polar, with valine, which is neutral and non-polar, at codon 85 of the MYL4 protein (p.Leu85Val). This variant is present in population databases (no rsID available, gnomAD 0.007%). This variant has not been reported in the literature in individuals affected with MYL4-related conditions. ClinVar contains an entry for this variant (Variation ID: 2049700). An algorithm developed to predict the effect of missense changes on protein structure and function (PolyPhen-2) suggests that this variant is likely to be tolerated. In summary, the available evidence is currently insufficient to determine the role of this variant in disease. Therefore, it has been classified as a Variant of Uncertain Significance.